The following is an entry in ClinVar:

NM_002354.3(EPCAM):c.667G>C (p.Glu223Gln)

Gene: EPCAM (epithelial cell adhesion molecule; plus strand). Cytogenetic location: 2p21.
Variant type: single nucleotide variant.
Coding change: c.667G>C on transcript NM_002354.3 (MANE Select); coding-DNA position 667, G replaced by C.
Protein change: p.Glu223Gln; replaces glutamic acid 223 with glutamine.
Molecular consequence: missense variant.
Genome position (GRCh38, 1-based): chr2:47,379,778, G>C. VCF-style: chr2-47379778-G-C. GRCh37 (hg19) VCF-style: chr2-47606917-G-C.
Other names: short protein forms E223Q.
Identifiers: ClinVar variation 216560 (VCV000216560.10), dbSNP rs372674836, ClinGen allele CA338807.

ClinVar aggregate classification (germline): Uncertain significance. Review status: criteria provided, multiple submitters, no conflicts (2 of 4 stars). 2 submissions from 2 submitters: Uncertain significance (2). Last evaluated 2023-03-02.

Conditions:
Hereditary cancer-predisposing syndrome. Also called: Hereditary Cancer Syndrome; Hereditary neoplastic syndrome; Neoplastic Syndromes, Hereditary; Tumor predisposition. Identifiers: Orphanet 140162, MedGen C0027672, MeSH D009386, MONDO:0015356.

Allele frequency attached by ClinVar (database versions not stated): ExAC 0.00001; gnomAD 0.00001; gnomAD exomes 0.00001; ESP Exome Variant Server 0.00008.

Submissions (2):

Ambry Genetics
Classification: Uncertain significance for Hereditary cancer-predisposing syndrome. Last evaluated: 2023-03-02. Review status: criteria provided, single submitter. Criteria: Ambry Variant Classification Scheme 2023. Collection method: clinical testing. Allele origin: germline.
Comment: The p.E223Q variant (also known as c.667G>C), located in coding exon 7 of the EPCAM gene, results from a G to C substitution at nucleotide position 667. The glutamic acid at codon 223 is replaced by glutamine, an amino acid with highly similar properties. This amino acid position is conserved. In addition, this alteration is predicted to be tolerated by in silico analysis. Since supporting evidence is limited at this time, the clinical significance of this alteration remains unclear.

Labcorp Genetics (formerly Invitae), Labcorp
Classification: Uncertain significance. Last evaluated: 2022-02-18. Review status: criteria provided, single submitter. Criteria: Invitae Variant Classification Sherloc (09022015). Collection method: clinical testing. Allele origin: germline.
Comment: In summary, the available evidence is currently insufficient to determine the role of this variant in disease. Therefore, it has been classified as a Variant of Uncertain Significance. Algorithms developed to predict the effect of missense changes on protein structure and function (SIFT, PolyPhen-2, Align-GVGD) all suggest that this variant is likely to be tolerated. ClinVar contains an entry for this variant (Variation ID: 216560). This sequence change replaces glutamic acid, which is acidic and polar, with glutamine, which is neutral and polar, at codon 223 of the EPCAM protein (p.Glu223Gln). This variant is present in population databases (rs372674836, gnomAD 0.007%). This variant has not been reported in the literature in individuals affected with EPCAM-related conditions.